The following is an entry in ClinVar:

ClinVar aggregate classification (germline): Uncertain significance (1 of 4 stars; one submission).

Allele frequency attached by ClinVar (database versions not stated): TOPMed 0.00001.
gnomAD v4.1: 7 of 1,613,324 alleles (0.00043%); highest among the groups gnomAD compares: African/African-American, 0.0053%; no homozygotes.

Submission:

Labcorp Genetics (formerly Invitae), Labcorp
Classification: Uncertain significance. Last evaluated: 2021-04-23. Review status: criteria provided, single submitter. Criteria: Invitae Variant Classification Sherloc (09022015). Collection method: clinical testing. Allele origin: germline.
Comment: In summary, the available evidence is currently insufficient to determine the role of this variant in disease. Therefore, it has been classified as a Variant of Uncertain Significance. Advanced modeling of protein sequence and biophysical properties (such as structural, functional, and spatial information, amino acid conservation, physicochemical variation, residue mobility, and thermodynamic stability) performed at Invitae indicates that this missense variant is expected to disrupt KCNV2 protein function. This variant has not been reported in the literature in individuals with KCNV2-related conditions. This variant is not present in population databases (ExAC no frequency). This sequence change replaces glutamic acid with aspartic acid at codon 316 of the KCNV2 protein (p.Glu316Asp). The glutamic acid residue is highly conserved and there is a small physicochemical difference between glutamic acid and aspartic acid.

NM_133497.4(KCNV2):c.948G>T (p.Glu316Asp)

Gene: KCNV2 (potassium voltage-gated channel modifier subfamily V member 2; plus strand). Cytogenetic location: 9p24.2.
Variant type: single nucleotide variant.
Coding change: c.948G>T on transcript NM_133497.4 (MANE Select); coding-DNA position 948, G replaced by T.
Protein change: p.Glu316Asp; replaces glutamic acid 316 with aspartic acid.
Molecular consequence: missense variant.
Genome position (GRCh38, 1-based): chr9:2,718,687, G>T. VCF-style: chr9-2718687-G-T. GRCh37 (hg19) VCF-style: chr9-2718687-G-T.
Other names: short protein forms E316D.
Identifiers: ClinVar variation 1505262 (VCV001505262.8), dbSNP rs147822789, ClinGen allele CA372800253.